The following is an entry in ClinVar:

NM_000019.4(ACAT1):c.99T>A (p.Tyr33Ter)

Gene: ACAT1 (acetyl-CoA acetyltransferase 1; plus strand). Cytogenetic location: 11q22.3.
Variant type: single nucleotide variant.
Coding change: c.99T>A on transcript NM_000019.4 (MANE Select); coding-DNA position 99, T replaced by A.
Protein change: p.Tyr33Ter; replaces tyrosine 33 with a stop codon.
Molecular consequence: nonsense.
Genome position (GRCh38, 1-based): chr11:108,131,933, T>A. VCF-style: chr11-108131933-T-A. GRCh37 (hg19) VCF-style: chr11-108002660-T-A.
Other names: short protein forms Y33*.
Identifiers: ClinVar variation 666465 (VCV000666465.3), dbSNP rs1469248513, ClinGen allele CA382506146.

ClinVar aggregate classification (germline): Pathogenic. Review status: criteria provided, multiple submitters, no conflicts (2 of 4 stars). 2 submissions from 2 submitters: Pathogenic (2). Last evaluated 2024-07-11.

Conditions:
Deficiency of acetyl-CoA acetyltransferase. Also called: MITOCHONDRIAL ACETOACETYL-CoA THIOLASE DEFICIENCY; Beta-ketothiolase deficiency; 3-KETOTHIOLASE DEFICIENCY; 3-OXOTHIOLASE DEFICIENCY. Identifiers: Orphanet 134, MedGen C1536500, MONDO:0008760, OMIM 203750. Disease mechanism: loss of function.

Allele frequency attached by ClinVar (database versions not stated): gnomAD 0.00001; TOPMed below 0.00001.

Submissions (2):

Myriad Genetics, Inc.
Classification: Pathogenic for Deficiency of acetyl-CoA acetyltransferase. Last evaluated: 2024-07-11. Review status: criteria provided, single submitter. Criteria: Myriad Autosomal Dominant, Autosomal Recessive and X-Linked Classification Criteria (2023). Collection method: clinical testing. Allele origin: unknown.
Comment: NM_000019.3(ACAT1):c.99T>A(Y33*) is expected to be pathogenic in the context of beta-ketothiolase deficiency. This variant is predicted to lead to an abnormal or absent protein product due to the creation of a premature termination codon in ACAT1, a gene where loss-of-function variants are known to be pathogenic. Please note: this variant was assessed in the context of healthy population screening.

Department of Pediatrics, Gifu University
Classification: Pathogenic for Deficiency of acetyl-CoA acetyltransferase. Last evaluated: 2019-05-05. Review status: criteria provided, single submitter. Criteria: ACMG Guidelines, 2015. Collection method: research. Allele origin: germline. Affected: yes. Observed: 1 variant allele.

Literature cited by the submitters: PubMed 31268215 (cited by Department of Pediatrics, Gifu University).